The following is an entry in ClinVar:

NM_001001433.3(STX16):c.*1863C>A

Genes: STX16 (syntaxin 16; plus strand), STX16-NPEPL1 (STX16-NPEPL1 readthrough (NMD candidate); plus strand). Cytogenetic location: 20q13.32.
Variant type: single nucleotide variant.
Coding change: c.*1863C>A on transcript NM_001001433.3 (MANE Select); 1863 bases downstream of the stop codon, C replaced by A.
Molecular consequence: 3 prime UTR variant. On other transcripts: non-coding transcript variant (3).
Genome position (GRCh38, 1-based): chr20:58,678,154, C>A. VCF-style: chr20-58678154-C-A. GRCh37 (hg19) VCF-style: chr20-57253210-C-A.
Other names: c.*1863C>A (NM_001134772.3, NM_001134773.3, NM_001204868.2 and 1 more transcripts).
Identifiers: ClinVar variation 339084 (VCV000339084.6), dbSNP rs141875151, ClinGen allele CA10650076.

ClinVar aggregate classification (germline): Benign. Review status: criteria provided, multiple submitters, no conflicts (2 of 4 stars). 2 submissions from 2 submitters: Benign (2). Last evaluated 2018-01-13.

Conditions:
Pseudohypoparathyroidism type 1B (PHP1B). Also called: PHP IB; Pseudohypoparathyroidism Ib (PHP-Ib); Pseudohypoparathyroidism Type IB. Identifiers: Orphanet 94089, MedGen C1864100, MONDO:0011301, OMIM 603233.

Allele frequency attached by ClinVar (database versions not stated): 1000 Genomes Project 30x 0.00718; 1000 Genomes Project 0.00799; TOPMed 0.00867; gnomAD 0.00929; gnomAD exomes 0.05556.
gnomAD v4.1: 1,411 of 152,338 alleles (0.93%); highest among the groups gnomAD compares: Non-Finnish European, 1.4%; 8 homozygotes.

Submissions (2):

Illumina Laboratory Services, Illumina
Classification: Benign for Pseudohypoparathyroidism type 1B. Last evaluated: 2018-01-13. Review status: criteria provided, single submitter. Criteria: ICSL Variant Classification Criteria 13 December 2019. Collection method: clinical testing. Allele origin: germline.
Comment: This variant was observed in the ICSL laboratory as part of a predisposition screen in an ostensibly healthy population. It had not been previously curated by ICSL or reported in the Human Gene Mutation Database (HGMD: prior to June 1st, 2018), and was therefore a candidate for classification through an automated scoring system. Utilizing variant allele frequency, disease prevalence and penetrance estimates, and inheritance mode, an automated score was calculated to assess if this variant is too frequent to cause the disease. Based on the score and internal cut-off values, a variant classified as benign is not then subjected to further curation. The score for this variant resulted in a classification of benign for this disease.

Breakthrough Genomics
Classification: Benign. Review status: criteria provided, single submitter. Criteria: ACMG Guidelines, 2015. Collection method: not provided. Allele origin: germline. Inheritance: Autosomal dominant inheritance. Affected: yes.